The following is an entry in ClinVar:

ClinVar aggregate classification (germline): Uncertain significance. Review status: criteria provided, multiple submitters, no conflicts (2 of 4 stars). 2 submissions from 2 submitters: Uncertain significance (2). Last evaluated 2025-09-10.

Conditions:
Primary ciliary dyskinesia. Also called: Ciliary dyskinesia. Identifiers: Orphanet 244, MedGen C0008780, MONDO:0016575, HP:0012265.

Allele frequency attached by ClinVar (database versions not stated): gnomAD exomes below 0.00001 and 0.00001; TOPMed below 0.00001; ExAC 0.00001.
gnomAD v4.1: 14 of 1,614,148 alleles (0.00087%); highest among the groups gnomAD compares: African/African-American, 0.0027%; no homozygotes.

Submissions (2):

Ambry Genetics
Classification: Uncertain significance for Primary ciliary dyskinesia. Last evaluated: 2025-09-10. Review status: criteria provided, single submitter. Criteria: Ambry Variant Classification Scheme 2023. Collection method: clinical testing. Allele origin: germline.

Labcorp Genetics (formerly Invitae), Labcorp
Classification: Uncertain significance for Primary ciliary dyskinesia. Last evaluated: 2022-06-05. Review status: criteria provided, single submitter. Criteria: Invitae Variant Classification Sherloc (09022015). Collection method: clinical testing. Allele origin: germline.
Comment: This sequence change replaces arginine, which is basic and polar, with cysteine, which is neutral and slightly polar, at codon 520 of the DNAAF3 protein (p.Arg520Cys). This variant is present in population databases (rs745788397, gnomAD 0.003%). This variant has not been reported in the literature in individuals affected with DNAAF3-related conditions. ClinVar contains an entry for this variant (Variation ID: 1508944). Algorithms developed to predict the effect of missense changes on protein structure and function are either unavailable or do not agree on the potential impact of this missense change (SIFT: "Deleterious"; PolyPhen-2: "Probably Damaging"; Align-GVGD: "Class C0"). In summary, the available evidence is currently insufficient to determine the role of this variant in disease. Therefore, it has been classified as a Variant of Uncertain Significance.

NM_001256715.2(DNAAF3):c.1357C>T (p.Arg453Cys)

Genes: DNAAF3 (dynein axonemal assembly factor 3; minus strand), DNAAF3-AS1 (DNAAF3 antisense RNA 1; plus strand). Cytogenetic location: 19q13.42.
Variant type: single nucleotide variant.
Coding change: c.1357C>T on transcript NM_001256715.2 (MANE Select); coding-DNA position 1357, C replaced by T.
Protein change: p.Arg453Cys; replaces arginine 453 with cysteine.
Molecular consequence: missense variant.
Genome position (GRCh38, 1-based): chr19:55,159,331, G>A on the plus strand (C>T on the coding strand, the complement: DNAAF3 is on the minus strand). VCF-style: chr19-55159331-G-A. GRCh37 (hg19) VCF-style: chr19-55670699-G-A.
Other names: c.1558C>T, p.Arg520Cys (NM_001256714.1); c.1195C>T, p.Arg399Cys (NM_001256716.2); c.1498C>T, p.Arg500Cys (NM_178837.4); short protein forms R453C, R500C, R399C, R520C.
Identifiers: ClinVar variation 1508944 (VCV001508944.4), dbSNP rs745788397, ClinGen allele CA9667797.